The following is an entry in ClinVar:

NM_006005.3(WFS1):c.1171G>A (p.Glu391Lys)

Gene: WFS1 (wolframin ER transmembrane glycoprotein; plus strand). Cytogenetic location: 4p16.1.
Variant type: single nucleotide variant.
Coding change: c.1171G>A on transcript NM_006005.3 (MANE Select); coding-DNA position 1171, G replaced by A.
Protein change: p.Glu391Lys; replaces glutamic acid 391 with lysine.
Molecular consequence: missense variant.
Genome position (GRCh38, 1-based): chr4:6,300,966, G>A. VCF-style: chr4-6300966-G-A. GRCh37 (hg19) VCF-style: chr4-6302693-G-A.
Other names: c.1171G>A, p.Glu391Lys (NM_001145853.1); short protein forms E391K.
Identifiers: ClinVar variation 1706420 (VCV001706420.6), dbSNP rs144308365, ClinGen allele CA2839242.
Genomic context (GRCh38, chr4:6,300,966, plus strand): 5'-TGGGAGAACTTCCGCACCCTCACCGACCTGCTGCTGCGCTTCGAGCCCAACCTGGATGTG[G>A]AGCAGGCCGAGGTCAACTTCGGCTGGAACCACCTGGAGCCCTATGCCCATTTCCTGCTCT-3'
Protein context (NP_005996.2, residues 381-401): LLRFEPNLDV[Glu391Lys]QAEVNFGWNH

ClinVar aggregate classification (germline): Uncertain significance. Review status: criteria provided, multiple submitters, no conflicts (2 of 4 stars). 3 submissions from 3 submitters: Uncertain significance (3). Last evaluated 2026-02-25.

Conditions:
Cataract 41 (CTRCT41). Also called: CATARACT 41, CONGENITAL NUCLEAR TYPE. Identifiers: Orphanet 91492, Orphanet 98991, Orphanet 98992, Orphanet 98995, MedGen C3805412, MONDO:0007287, OMIM 116400.
Wolfram syndrome 1 (WFS1). Identifiers: Orphanet 3463, MedGen C4551693, MONDO:0009101, OMIM 222300.
Autosomal dominant nonsyndromic hearing loss 6 (LFSNHL). Also called: DEAFNESS, AUTOSOMAL DOMINANT 14; DEAFNESS, AUTOSOMAL DOMINANT 38; DEAFNESS, AUTOSOMAL DOMINANT 6; Autosomal dominant nonsyndromic deafness 6. Identifiers: Orphanet 90635, MedGen C1833021, MONDO:0010963, OMIM 600965.
Type 2 diabetes mellitus. Also called: Type II diabetes mellitus. Identifiers: MedGen C0011860, MeSH D003924, MONDO:0005148, OMIM 125853, HP:0005978.
Wolfram-like syndrome. Also called: HEARING LOSS, PROGRESSIVE, WITH OPTIC ATROPHY AND/OR IMPAIRED GLUCOSE REGULATION. Identifiers: Orphanet 411590, MedGen C3280358, MONDO:0013673, OMIM 614296.

Allele frequency attached by ClinVar (database versions not stated): gnomAD exomes below 0.00001; TOPMed below 0.00001; ExAC 0.00001; gnomAD 0.00001; ESP Exome Variant Server 0.00008.
gnomAD v4.1: 7 of 1,613,864 alleles (0.00043%); highest among the groups gnomAD compares: Non-Finnish European, 0.000085%; no homozygotes.

Submissions (3):

GeneDx
Classification: Uncertain significance. Last evaluated: 2026-02-25. Review status: criteria provided, single submitter. Criteria: GeneDx Variant Classification Process June 2021. Collection method: clinical testing. Allele origin: germline.
Comment: Has not been previously published as pathogenic or benign to our knowledge; In silico analysis suggests that this missense variant does not alter protein structure/function

Labcorp Genetics (formerly Invitae), Labcorp
Classification: Uncertain significance. Last evaluated: 2025-12-08. Review status: criteria provided, single submitter. Criteria: Invitae Variant Classification Sherloc (09022015). Collection method: clinical testing. Allele origin: germline.
Comment: This sequence change replaces glutamic acid, which is acidic and polar, with lysine, which is basic and polar, at codon 391 of the WFS1 protein (p.Glu391Lys). This variant is present in population databases (rs144308365, gnomAD 0.01%). This variant has not been reported in the literature in individuals affected with WFS1-related conditions. ClinVar contains an entry for this variant (Variation ID: 1706420). Invitae Evidence Modeling of protein sequence and biophysical properties (such as structural, functional, and spatial information, amino acid conservation, physicochemical variation, residue mobility, and thermodynamic stability) indicates that this missense variant is not expected to disrupt WFS1 protein function with a negative predictive value of 95%. In summary, the available evidence is currently insufficient to determine the role of this variant in disease. Therefore, it has been classified as a Variant of Uncertain Significance.

Fulgent Genetics
Classification: Uncertain significance for Cataract 41; Type 2 diabetes mellitus; Wolfram syndrome 1; Autosomal dominant nonsyndromic hearing loss 6; Wolfram-like syndrome. Last evaluated: 2023-12-29. Review status: criteria provided, single submitter. Criteria: ACMG Guidelines, 2015. Collection method: clinical testing. Allele origin: germline.